The following is an entry in ClinVar:

ClinVar aggregate classification (germline): Uncertain significance (1 of 4 stars; one submission).

Conditions:
Joubert syndrome 21 (JBTS21). Identifiers: MedGen C3810212, MONDO:0014288, OMIM 615636.

Submission:

Labcorp Genetics (formerly Invitae), Labcorp
Classification: Uncertain significance for Joubert syndrome 21. Last evaluated: 2019-03-07. Review status: criteria provided, single submitter. Criteria: Invitae Variant Classification Sherloc (09022015). Collection method: clinical testing. Allele origin: germline.
Comment: This variant is a gross duplication of the genomic region encompassing exons 9-29 of the CSPP1 gene. The 5' boundary is likely confined to intron 8. The 3' end of this event is unknown as it extends beyond the assayed region for this gene and therefore may encompass additional genes. The exact location of this variant in the genome is unknown. This variant has not been reported in the literature in individuals with CSPP1-related disease. Experimental studies are not available for this variant, and the functional significance of the duplicated exons is currently unknown. In summary, the available evidence is currently insufficient to determine the role of this variant in disease. Therefore, it has been classified as a Variant of Uncertain Significance.

NC_000008.10:g.(?_68024187)_(68107848_?)dup

Genes: ARFGEF1 (ARF guanine nucleotide exchange factor 1; minus strand), CSPP1 (centrosome and spindle pole associated protein 1; plus strand). Cytogenetic location: 8q13.2.
Variant type: Duplication.
Identifiers: ClinVar variation 583877 (VCV000583877.2).